The following is an entry in ClinVar:

ClinVar aggregate classification (germline): Likely pathogenic (1 of 4 stars; one submission).

Conditions:
Kabuki syndrome 1 (KABUK1). Also called: KMT2D-Related Kabuki Syndrome. Identifiers: Orphanet 2322, MedGen CN030661, MONDO:0007843, OMIM 147920.

Submission:

3billion
Classification: Likely pathogenic for Kabuki syndrome 1. Review status: criteria provided, single submitter. Criteria: ACMG Guidelines, 2015. Collection method: clinical testing. Allele origin: unknown. Affected: yes. Observed: 1 heterozygote.
Comment: The variant is not observed in the gnomAD v2.1.1 dataset. The variant is predicted to result in a loss or disruption of normal protein function through nonsense-mediated decay (NMD) or protein truncation. Multiple pathogenic variants are reported downstream of the variant. Therefore, this variant is classified as Likely pathogenic according to the recommendation of ACMG/AMP guideline.

NM_003482.4(KMT2D):c.10021C>T (p.Gln3341Ter)

Gene: KMT2D (lysine methyltransferase 2D; minus strand). Cytogenetic location: 12q13.12.
Variant type: single nucleotide variant.
Coding change: c.10021C>T on transcript NM_003482.4 (MANE Select); coding-DNA position 10021, C replaced by T.
Protein change: p.Gln3341Ter; replaces glutamine 3341 with a stop codon.
Molecular consequence: nonsense.
Genome position (GRCh38, 1-based): chr12:49,037,335, G>A on the plus strand (C>T on the coding strand, the complement: KMT2D is on the minus strand). VCF-style: chr12-49037335-G-A. GRCh37 (hg19) VCF-style: chr12-49431118-G-A.
Other names: short protein forms Q3341*.
Identifiers: ClinVar variation 2572479 (VCV002572479.1), dbSNP rs2120477437, ClinGen allele CA384733060.
Genomic context (GRCh38, chr12:49,037,335, plus strand): 5'-GCTGCCCACTTAGCATATGCCCTTGATTGGACACCATAGCCATGGATGGAGCCAGGCGTT[G>A]CTGGAGGGCATGAGCTGGTGGCTGGGTGGGCATCAGTGGCTGGGGCAAACCTGGCTGTCG-3'